The following is an entry in ClinVar:

NM_153717.3(EVC):c.901AAG[1] (p.Lys302del)

Gene: EVC (EvC ciliary complex subunit 1; plus strand). Cytogenetic location: 4p16.2.
Variant type: Microsatellite.
Coding change: c.901AAG[1] on transcript NM_153717.3 (MANE Select); one copy of the 3-base unit AAG starting at c.901; the reference has two copies in a row; one copy, 3 bases deleted; also written c.904_906del.
Protein change: p.Lys302del; deletes lysine 302.
Molecular consequence: inframe deletion.
Genome position (GRCh38, 1-based): chr4:5,745,306-5,745,308, AAG deleted; deleting any 3 consecutive bases within chr4:5,745,303-5,745,308 gives the same sequence; the position shown is the placement nearest the transcript's 3' end. VCF-style (leftmost placement, unchanged base first): chr4-5745302-AAAG-A. GRCh37 (hg19) VCF-style: chr4-5747029-AAAG-A.
Other names: c.901AAG[1], p.Lys302del (NM_001306090.2, NM_001306092.2); c.904_906delAAG (NM_153717.3); c.904_906del (NM_153717.3); short protein forms K302del.
Identifiers: ClinVar variation 446661 (VCV000446661.18), dbSNP rs755381180, ClinGen allele CA2835905.

ClinVar aggregate classification (germline): Pathogenic/Likely pathogenic. Review status: criteria provided, multiple submitters, no conflicts (2 of 4 stars). 7 submissions from 7 submitters: Pathogenic (1); Likely pathogenic (4). 2 of the submissions do not count toward it. Last evaluated 2026-04-16.

Conditions:
Ellis-van Creveld syndrome (EVC). Also called: Chondroectodermal dysplasia; MESOECTODERMAL DYSPLASIA. Identifiers: Orphanet 289, MedGen C0013903, MONDO:0009162, OMIM 225500.
Curry-Hall syndrome (WAD). Also called: WEYERS ACRODENTAL DYSOSTOSIS. Identifiers: Orphanet 952, MedGen C0457013, MONDO:0008673, OMIM 193530.
Short-rib thoracic dysplasia 6 with or without polydactyly (SRTD6). Also called: SHORT-RIB THORACIC DYSPLASIA 6 WITH POLYDACTYLY; SHORT-RIB THORACIC DYSPLASIA 6 WITHOUT POLYDACTYLY; POLYDACTYLY WITH NEONATAL CHONDRODYSTROPHY, TYPE II; SHORT RIB-POLYDACTYLY SYNDROME, TYPE IIA; Majewski Syndrome. Identifiers: MedGen C0024507, MONDO:0009894, OMIM 263520.

Submissions (7):

Women's Health and Genetics/Laboratory Corporation of America, LabCorp
Classification: Pathogenic for Ellis-van Creveld syndrome. Last evaluated: 2026-04-16. Review status: criteria provided, single submitter. Criteria: LabCorp Variant Classification Summary - May 2015. Collection method: clinical testing. Allele origin: germline.
Comment: Variant summary: EVC c.904_906delAAG (p.Lys302del) results in an in-frame deletion that is predicted to remove one amino acid from the encoded protein. The variant allele was found at a frequency of 1.6e-05 in 251470 control chromosomes. c.904_906delAAG has been observed in multiple individuals affected with and/or with clinical features of Ellis-van Creveld syndrome (e.g. Ruiz-Perez_2000, Tompson_2007, Valencia_2009, D'Asdia_2013, Zhang_2018, Altunoglu_2024, internal data). These data indicate that the variant is very likely to be associated with disease. To our knowledge, no experimental evidence demonstrating an impact on protein function has been reported. The following publications have been ascertained in the context of this evaluation (PMID: 38531627, 23220543, 10700184, 17024374, 19810119, 29068549, internal data). ClinVar contains an entry for this variant (Variation ID: 446661). Based on the evidence outlined above, the variant was classified as pathogenic.

Natera, Inc.
Classification: Likely pathogenic for Ellis-van Creveld syndrome. Last evaluated: 2025-08-20. Review status: criteria provided, single submitter. Criteria: Natera Variant Classification Schema (03/2026). Collection method: clinical testing. Allele origin: germline.
Comment: The c.904_906delAAG variant in EVC is an in-frame deletion predicted to remove lysine at amino acid 302 while preserving the reading frame. This variant is rare in the general population with a frequency below the threshold expected for the associated phenotype(s). This variant has been observed in one or more individuals affected with the associated recessive disease, as either homozygous or compound heterozygous with a second variant (PMID: 10700184, 19810119, 23220543, 38531627). This variant results in a change to the protein length while preserving reading frame, which may disrupt normal protein structure or function. Given the available evidence, this variant is classified as Likely Pathogenic.

Fulgent Genetics
Classification: Likely pathogenic for Curry-Hall syndrome; Ellis-van Creveld syndrome. Last evaluated: 2024-04-14. Review status: criteria provided, single submitter. Criteria: ACMG Guidelines, 2015. Collection method: clinical testing. Allele origin: germline.

Labcorp Genetics (formerly Invitae), Labcorp
Classification: Likely pathogenic for Curry-Hall syndrome; Ellis-van Creveld syndrome. Last evaluated: 2023-07-26. Review status: criteria provided, single submitter. Criteria: Invitae Variant Classification Sherloc (09022015). Collection method: clinical testing. Allele origin: germline.
Comment: In summary, the currently available evidence indicates that the variant is pathogenic, but additional data are needed to prove that conclusively. Therefore, this variant has been classified as Likely Pathogenic. This variant is present in population databases (rs755381180, gnomAD 0.005%). ClinVar contains an entry for this variant (Variation ID: 446661). Experimental studies and prediction algorithms are not available or were not evaluated, and the functional significance of this variant is currently unknown. This variant, c.904_906del, results in the deletion of 1 amino acid(s) of the EVC protein (p.Lys302del), but otherwise preserves the integrity of the reading frame. This variant has been observed in individual(s) with Ellis-van Creveld syndrome (PMID: 10700184, 23220543, 29068549; Invitae). In at least one individual the data is consistent with being in trans (on the opposite chromosome) from a pathogenic variant.

GeneDx
Classification: Likely pathogenic. Last evaluated: 2023-03-14. Review status: criteria provided, single submitter. Criteria: GeneDx Variant Classification Process June 2021. Collection method: clinical testing. Allele origin: germline. Affected: yes.
Comment: Not observed at a significant frequency in large population cohorts (gnomAD); In-frame deletion of 1 amino acid in a non-repeat region; In silico analysis, which includes protein predictors and evolutionary conservation, supports a deleterious effect; This variant is associated with the following publications: (PMID: 23220543, 18947413, 16404586, 29068549, 17024374, 19810119, 10700184)

Dan Cohn Lab, University Of California Los Angeles
Classification: Pathogenic for Short-rib thoracic dysplasia 6 with or without polydactyly. Last evaluated: 2017-06-01. Review status: no assertion criteria provided. Collection method: research. Allele origin: unknown. Affected: yes. Not counted in ClinVar's aggregate classification.

University of Washington Center for Mendelian Genomics, University of Washington
Classification: Likely pathogenic for short-rib polydactyly syndrome type II. Review status: no assertion criteria provided. Collection method: research. Allele origin: inherited. Affected: yes. Not counted in ClinVar's aggregate classification.

Literature cited by the submitters: PubMed 29068549 (cited by 4 submitters); PubMed 19810119 (cited by Women's Health and Genetics/Laboratory Corporation of America, LabCorp and Natera, Inc.); PubMed 23220543 (cited by 3 submitters); PubMed 17024374 (cited by Women's Health and Genetics/Laboratory Corporation of America, LabCorp); PubMed 10700184 (cited by 3 submitters); PubMed 38531627 (cited by Women's Health and Genetics/Laboratory Corporation of America, LabCorp and Natera, Inc.).